The following is an entry in ClinVar:

ClinVar aggregate classification (germline): Uncertain significance (1 of 4 stars; one submission).

Conditions:
Hereditary cancer-predisposing syndrome. Also called: Neoplastic Syndromes, Hereditary; Tumor predisposition; Hereditary neoplastic syndrome; Hereditary Cancer Syndrome. Identifiers: Orphanet 140162, MedGen C0027672, MeSH D009386, MONDO:0015356.

Submission:

Ambry Genetics
Classification: Uncertain significance for Hereditary cancer-predisposing syndrome. Last evaluated: 2026-09-05. Review status: criteria provided, single submitter. Criteria: Ambry Variant Classification Scheme 2023. Collection method: clinical testing. Allele origin: germline.
Comment: The p.L1195S variant (also known as c.3584T>C), located in coding exon 23 of the RAD50 gene, results from a T to C substitution at nucleotide position 3584. The leucine at codon 1195 is replaced by serine, an amino acid with dissimilar properties. This amino acid position is conserved. In addition, this alteration is predicted to be deleterious by in silico analysis. Based on the available evidence, the clinical significance of this variant remains unclear.

NM_005732.4(RAD50):c.3584T>C (p.Leu1195Ser)

Genes: RAD50 (RAD50 double strand break repair protein; plus strand), TH2-LCR (Th2 cytokine locus control region; plus strand), TH2LCRR (T helper type 2 locus control region associated RNA; minus strand). Cytogenetic location: 5q31.1.
Variant type: single nucleotide variant.
Coding change: c.3584T>C on transcript NM_005732.4 (MANE Select); coding-DNA position 3584, T replaced by C.
Protein change: p.Leu1195Ser; replaces leucine 1195 with serine.
Molecular consequence: missense variant. On other transcripts: non-coding transcript variant (3).
Genome position (GRCh38, 1-based): chr5:132,638,189, T>C. VCF-style: chr5-132638189-T-C. GRCh37 (hg19) VCF-style: chr5-131973881-T-C.
Other names: short protein forms L1195S.
Identifiers: ClinVar variation 5027745 (VCV005027745.1).